The following is an entry in ClinVar:

NM_001365999.1(SZT2):c.8148A>G (p.Glu2716=)

Gene: SZT2 (SZT2 subunit of KICSTOR complex; plus strand). Cytogenetic location: 1p34.2.
Variant type: single nucleotide variant.
Coding change: c.8148A>G on transcript NM_001365999.1 (MANE Select); coding-DNA position 8148, A replaced by G.
Protein change: p.Glu2716=; no amino-acid change (glutamic acid 2716 retained).
Molecular consequence: synonymous variant.
Genome position (GRCh38, 1-based): chr1:43,442,615, A>G. VCF-style: chr1-43442615-A-G. GRCh37 (hg19) VCF-style: chr1-43908286-A-G.
Other names: c.7977A>G, p.Glu2659= (NM_015284.4).
Identifiers: ClinVar variation 696434 (VCV000696434.38), dbSNP rs199826167, ClinGen allele CA810451.

ClinVar aggregate classification (germline): Likely benign. Review status: criteria provided, multiple submitters, no conflicts (2 of 4 stars). 6 submissions from 6 submitters: Likely benign (5). 1 of the submissions does not count toward it. Last evaluated 2026-01-19.

Conditions:
SZT2-related disorder. Also called: SZT2-related condition.
Developmental and epileptic encephalopathy, 18 (DEE18). Also called: Early infantile epileptic encephalopathy 18. Identifiers: Orphanet 369894, MedGen C3809624, MONDO:0014201, OMIM 615476.

Allele frequency attached by ClinVar (database versions not stated): 1000 Genomes Project 30x 0.00016; ExAC 0.00017; gnomAD 0.00018 and 0.00023; gnomAD exomes 0.00018 and 0.00041; 1000 Genomes Project 0.00020; ESP Exome Variant Server 0.00031; TOPMed 0.00034.

Submissions (6):

Labcorp Genetics (formerly Invitae), Labcorp
Classification: Likely benign. Last evaluated: 2026-01-19. Review status: criteria provided, single submitter. Criteria: Invitae Variant Classification Sherloc (09022015). Collection method: clinical testing. Allele origin: germline.

Blueprint Genetics
Classification: Likely benign. Last evaluated: 2024-07-03. Review status: criteria provided, single submitter. Criteria: ACMG Guidelines, 2015. Collection method: clinical testing. Allele origin: germline.

Genome-Nilou Lab
Classification: Likely benign for Developmental and epileptic encephalopathy, 18. Last evaluated: 2023-04-11. Review status: criteria provided, single submitter. Criteria: ACMG Guidelines, 2015. Collection method: clinical testing. Allele origin: germline. Affected: no.

CeGaT Center for Human Genetics Tuebingen
Classification: Likely benign. Last evaluated: 2023-04-01. Review status: criteria provided, single submitter. Criteria: CeGaT Center For Human Genetics Tuebingen Variant Classification Criteria Version 2. Collection method: clinical testing. Allele origin: germline. Affected: yes. Observed: 2 variant alleles.
Comment: SZT2: BS2

GeneDx
Classification: Likely benign. Last evaluated: 2019-09-17. Review status: criteria provided, single submitter. Criteria: GeneDx Variant Classification Process June 2021. Collection method: clinical testing. Allele origin: germline. Affected: yes.

PreventionGenetics, part of Exact Sciences
Classification: Likely benign for SZT2-related condition. Last evaluated: 2019-09-04. Review status: no assertion criteria provided. Collection method: clinical testing. Allele origin: germline. Not counted in ClinVar's aggregate classification.
Comment: This variant is classified as likely benign based on ACMG/AMP sequence variant interpretation guidelines (Richards et al. 2015 PMID: 25741868, with internal and published modifications).